The following is an entry in ClinVar:

NM_001347721.2(DYRK1A):c.1705A>G (p.Thr569Ala)

Gene: DYRK1A (dual specificity tyrosine phosphorylation regulated kinase 1A; plus strand). Cytogenetic location: 21q22.13.
Variant type: single nucleotide variant.
Coding change: c.1705A>G on transcript NM_001347721.2 (MANE Select); coding-DNA position 1705, A replaced by G.
Protein change: p.Thr569Ala; replaces threonine 569 with alanine.
Molecular consequence: missense variant. On other transcripts: 3 prime UTR variant (2).
Genome position (GRCh38, 1-based): chr21:37,511,971, A>G. VCF-style: chr21-37511971-A-G. GRCh37 (hg19) VCF-style: chr21-38884274-A-G.
Other names: c.1705A>G, p.Thr569Ala (NM_001347722.2, NM_130436.2); c.1618A>G, p.Thr540Ala (NM_001347723.2); c.1732A>G, p.Thr578Ala (NM_001396.5); c.*108A>G (NM_101395.2); c.*17A>G (NM_130438.2); short protein forms T578A, T540A, T569A.
Identifiers: ClinVar variation 585805 (VCV000585805.16), dbSNP rs774075762, ClinGen allele CA10024085.

ClinVar aggregate classification (germline): Conflicting classifications of pathogenicity. Review status: criteria provided, conflicting classifications (1 of 4 stars). 3 submissions from 3 submitters: Uncertain significance (2); Likely benign (1). Last evaluated 2024-01-11.

Conditions:
DYRK1A-related intellectual disability syndrome (MRD7). Also called: Intellectual developmental disorder, autosomal dominant 7; DYRK1A Syndrome. Identifiers: Orphanet 464306, MedGen C5568143, MONDO:0013578, OMIM 614104.

Allele frequency attached by ClinVar (database versions not stated): gnomAD 0.00002; TOPMed 0.00002; ExAC 0.00003; gnomAD exomes 0.00003 and 0.00006.
gnomAD v4.1: 94 of 1,614,058 alleles (0.0058%); highest among the groups gnomAD compares: Non-Finnish European, 0.0077%; no homozygotes.

Submissions (3):

Labcorp Genetics (formerly Invitae), Labcorp
Classification: Uncertain significance for DYRK1A-related intellectual disability syndrome. Last evaluated: 2024-01-11. Review status: criteria provided, single submitter. Criteria: Invitae Variant Classification Sherloc (09022015). Collection method: clinical testing. Allele origin: germline.
Comment: This sequence change replaces threonine, which is neutral and polar, with alanine, which is neutral and non-polar, at codon 578 of the DYRK1A protein (p.Thr578Ala). This variant is present in population databases (rs774075762, gnomAD 0.006%). This variant has not been reported in the literature in individuals affected with DYRK1A-related conditions. ClinVar contains an entry for this variant (Variation ID: 585805). An algorithm developed to predict the effect of missense changes on protein structure and function (PolyPhen-2) suggests that this variant is likely to be tolerated. In summary, the available evidence is currently insufficient to determine the role of this variant in disease. Therefore, it has been classified as a Variant of Uncertain Significance.

GeneDx
Classification: Likely benign. Last evaluated: 2020-08-25. Review status: criteria provided, single submitter. Criteria: GeneDx Variant Classification Process June 2021. Collection method: clinical testing. Allele origin: germline. Affected: yes.

Athena Diagnostics
Classification: Uncertain significance. Last evaluated: 2018-03-12. Review status: criteria provided, single submitter. Criteria: Athena Diagnostics Criteria. Collection method: clinical testing. Allele origin: germline.